The following is an entry in ClinVar:

NM_002474.3(MYH11):c.1167G>C (p.Val389=)

Gene: MYH11 (myosin heavy chain 11; minus strand). Cytogenetic location: 16p13.11.
Variant type: single nucleotide variant.
Coding change: c.1167G>C on transcript NM_002474.3 (MANE Select); coding-DNA position 1167, G replaced by C.
Protein change: p.Val389=; no amino-acid change (valine 389 retained).
Molecular consequence: synonymous variant.
Genome position (GRCh38, 1-based): chr16:15,760,621, C>G on the plus strand (G>C on the coding strand, the complement: MYH11 is on the minus strand). VCF-style: chr16-15760621-C-G. GRCh37 (hg19) VCF-style: chr16-15854478-C-G.
Other names: c.1188G>C, p.Val396= (NM_001040113.2, NM_001040114.2); c.1167G>C, p.Val389= (NM_022844.3).
Identifiers: ClinVar variation 3387244 (VCV003387244.1).
Genomic context (GRCh38, chr16:15,760,621, plus strand): 5'-CTGTACCACATCTCGCCCAACCTTGATACGAGGAGTGAGGATGGATCTGGTGAAATCTGT[C>G]ACATTAATTCCCATGAGGTGGCAAACTTTCTGAGCAGCTGGATGGAGAAAAGAAACATCG-3'
Protein context (NP_002465.1, residues 379-399): QKVCHLMGIN[Val389=]TDFTRSILTP

ClinVar aggregate classification (germline): Likely benign (1 of 4 stars; one submission).

Conditions:
Familial thoracic aortic aneurysm and aortic dissection (TAAD). Also called: Thoracic aortic aneurysms and dissections. Identifiers: Orphanet 91387, MedGen C4707243, MONDO:0019625.

Submission:

All of Us Research Program, National Institutes of Health
Classification: Likely benign for Familial thoracic aortic aneurysm and aortic dissection. Last evaluated: 2024-04-16. Review status: criteria provided, single submitter. Criteria: ACMG Guidelines, 2015. Collection method: clinical testing. Allele origin: germline. Inheritance: Autosomal dominant inheritance. Observed: 1 variant allele, 1 heterozygote.
Comment: This study involves interpretation of variants in research participants for the purpose of population health screening. Participant phenotype was not available at the time of variant classification. Additional details can be found in publication PMID: 35346344, PMCID: PMC8962531